The following is an entry in ClinVar:

NM_000179.3(MSH6):c.771C>T (p.Asp257=)

Gene: MSH6 (mutS homolog 6; plus strand). Cytogenetic location: 2p16.3.
Variant type: single nucleotide variant.
Coding change: c.771C>T on transcript NM_000179.3 (MANE Select); coding-DNA position 771, C replaced by T.
Protein change: p.Asp257=; no amino-acid change (aspartic acid 257 retained).
Molecular consequence: synonymous variant. On other transcripts: 5 prime UTR variant (9), non-coding transcript variant (4), intron variant (1).
Genome position (GRCh38, 1-based): chr2:47,798,754, C>T. VCF-style: chr2-47798754-C-T. GRCh37 (hg19) VCF-style: chr2-48025893-C-T.
Other names: c.-136C>T (NM_001406811.1, NM_001406812.1, NM_001406815.1 and 6 more transcripts); c.771C>T, p.Asp257= (NM_001406817.1, NM_001406796.1, NM_001406798.1 and 4 more transcripts); c.474C>T, p.Asp158= (NM_001406818.1, NM_001406819.1, NM_001406820.1 and 10 more transcripts); c.777C>T, p.Asp259= (NM_001406813.1); c.381C>T, p.Asp127= (NM_001281492.2); c.867C>T, p.Asp289= (NM_001406795.1, NM_001406802.1); c.246C>T, p.Asp82= (NM_001406799.1, NM_001406806.1, NM_001406807.1); c.693C>T, p.Asp231= (NM_001406804.1); and 2 more.
Identifiers: ClinVar variation 1760299 (VCV001760299.5), dbSNP rs2104296645, ClinGen allele CA426120761.

ClinVar aggregate classification (germline): Benign/Likely benign. Review status: criteria provided, multiple submitters, no conflicts (2 of 4 stars). 3 submissions from 3 submitters: Benign (1); Likely benign (2). Last evaluated 2024-12-20.

Conditions:
Hereditary nonpolyposis colorectal neoplasms. Identifiers: MedGen C0009405, MeSH D003123.
Hereditary cancer-predisposing syndrome. Also called: Neoplastic Syndromes, Hereditary; Tumor predisposition; Hereditary Cancer Syndrome; Hereditary neoplastic syndrome. Identifiers: Orphanet 140162, MedGen C0027672, MeSH D009386, MONDO:0015356.
Lynch syndrome 5 (LYNCH5). Also called: Colorectal cancer, hereditary nonpolyposis, type 5; Hereditary non-polyposis colorectal cancer, type 5. Identifiers: Orphanet 144, MedGen C1833477, MONDO:0013710, OMIM 614350. Disease mechanism: loss of function.

Submissions (3):

Myriad Genetics, Inc.
Classification: Benign for Lynch syndrome 5. Last evaluated: 2024-12-20. Review status: criteria provided, single submitter. Criteria: Myriad Autosomal Dominant, Autosomal Recessive and X-Linked Classification Criteria (2023). Collection method: clinical testing. Allele origin: unknown.
Comment: This variant is considered benign. This variant is a silent/synonymous amino acid change and it is not expected to impact splicing.

Labcorp Genetics (formerly Invitae), Labcorp
Classification: Likely benign for Hereditary nonpolyposis colorectal neoplasms. Last evaluated: 2024-09-22. Review status: criteria provided, single submitter. Criteria: Invitae Variant Classification Sherloc (09022015). Collection method: clinical testing. Allele origin: germline.

Ambry Genetics
Classification: Likely benign for Hereditary cancer-predisposing syndrome. Last evaluated: 2021-02-14. Review status: criteria provided, single submitter. Criteria: Ambry Variant Classification Scheme 2023. Collection method: clinical testing. Allele origin: germline.